The following is an entry in ClinVar:

ClinVar aggregate classification (germline): Uncertain significance. Review status: criteria provided, multiple submitters, no conflicts (2 of 4 stars). 2 submissions from 2 submitters: Uncertain significance (2). Last evaluated 2023-04-06.

Allele frequency attached by ClinVar (database versions not stated): TOPMed 0.00001.

Submissions (2):

Labcorp Genetics (formerly Invitae), Labcorp
Classification: Uncertain significance. Last evaluated: 2023-04-06. Review status: criteria provided, single submitter. Criteria: Invitae Variant Classification Sherloc (09022015). Collection method: clinical testing. Allele origin: germline.
Comment: This sequence change replaces glutamic acid, which is acidic and polar, with glycine, which is neutral and non-polar, at codon 757 of the ITPR1 protein (p.Glu757Gly). This variant is not present in population databases (gnomAD no frequency). This variant has not been reported in the literature in individuals affected with ITPR1-related conditions. ClinVar contains an entry for this variant (Variation ID: 994633). Advanced modeling of protein sequence and biophysical properties (such as structural, functional, and spatial information, amino acid conservation, physicochemical variation, residue mobility, and thermodynamic stability) has been performed at Invitae for this missense variant, however the output from this modeling did not meet the statistical confidence thresholds required to predict the impact of this variant on ITPR1 protein function. In summary, the available evidence is currently insufficient to determine the role of this variant in disease. Therefore, it has been classified as a Variant of Uncertain Significance.

Athena Diagnostics
Classification: Uncertain significance. Last evaluated: 2020-06-09. Review status: criteria provided, single submitter. Criteria: Athena Diagnostics Criteria. Collection method: clinical testing. Allele origin: unknown.

NM_001378452.1(ITPR1):c.2315A>G (p.Glu772Gly)

Gene: ITPR1 (inositol 1,4,5-trisphosphate receptor type 1; plus strand). Cytogenetic location: 3p26.1.
Variant type: single nucleotide variant.
Coding change: c.2315A>G on transcript NM_001378452.1 (MANE Select); coding-DNA position 2315, A replaced by G.
Protein change: p.Glu772Gly; replaces glutamic acid 772 with glycine.
Molecular consequence: missense variant.
Genome position (GRCh38, 1-based): chr3:4,673,246, A>G. VCF-style: chr3-4673246-A-G. GRCh37 (hg19) VCF-style: chr3-4714930-A-G.
Other names: c.2315A>G, p.Glu772Gly (NM_001099952.4); c.2270A>G, p.Glu757Gly (NM_001168272.2, NM_002222.7); short protein forms E757G, E772G.
Identifiers: ClinVar variation 994633 (VCV000994633.4), dbSNP rs997975841, ClinGen allele CA68821440.
Genomic context (GRCh38, chr3:4,673,246, plus strand): 5'-CCATCAACGAAATCTCAGGCCAGCTGGATGTCGATCTCATTCTCCGCTGCATGTCTGACG[A>G]GAACCTGCCCTATGACCTCAGGGCGTCCTTCTGCCGCCTCATGCTTCACATGCATGTGGA-3'
Protein context (NP_001365381.1, residues 762-782): VDLILRCMSD[Glu772Gly]NLPYDLRASF